The following is an entry in ClinVar:

ClinVar aggregate classification (germline): Benign. Review status: criteria provided, single submitter (1 of 4 stars). 2 submissions from 2 submitters: Benign (1). 1 of the submissions does not count toward it. Last evaluated 2024-12-16.

Conditions:
FZD2-related disorder. Also called: FZD2-related condition.

Allele frequency attached by ClinVar (database versions not stated): TOPMed below 0.00001; gnomAD 0.00002; gnomAD exomes 0.00013; ExAC 0.00032.

Submissions (2):

Labcorp Genetics (formerly Invitae), Labcorp
Classification: Benign. Last evaluated: 2024-12-16. Review status: criteria provided, single submitter. Criteria: Invitae Variant Classification Sherloc (09022015). Collection method: clinical testing. Allele origin: germline.

PreventionGenetics, part of Exact Sciences
Classification: Likely benign for FZD2-related condition. Last evaluated: 2019-04-09. Review status: no assertion criteria provided. Collection method: clinical testing. Allele origin: germline. Not counted in ClinVar's aggregate classification.
Comment: This variant is classified as likely benign based on ACMG/AMP sequence variant interpretation guidelines (Richards et al. 2015 PMID: 25741868, with internal and published modifications).

NM_001466.4(FZD2):c.168C>T (p.Ile56=)

Gene: FZD2 (frizzled class receptor 2; plus strand). Cytogenetic location: 17q21.31.
Variant type: single nucleotide variant.
Coding change: c.168C>T on transcript NM_001466.4 (MANE Select); coding-DNA position 168, C replaced by T.
Protein change: p.Ile56=; no amino-acid change (isoleucine 56 retained).
Molecular consequence: synonymous variant.
Genome position (GRCh38, 1-based): chr17:44,557,856, C>T. VCF-style: chr17-44557856-C-T. GRCh37 (hg19) VCF-style: chr17-42635224-C-T.
Other names: c.168C>T (NM_001466.3).
Identifiers: ClinVar variation 2183716 (VCV002183716.6), dbSNP rs764411531, ClinGen allele CA8604622.